The following is an entry in ClinVar:

ClinVar aggregate classification (germline): Uncertain significance (1 of 4 stars; one submission).

Submission:

Labcorp Genetics (formerly Invitae), Labcorp
Classification: Uncertain significance. Last evaluated: 2024-05-11. Review status: criteria provided, single submitter. Criteria: Invitae Variant Classification Sherloc (09022015). Collection method: clinical testing. Allele origin: germline.
Comment: This sequence change replaces aspartic acid, which is acidic and polar, with glycine, which is neutral and non-polar, at codon 811 of the TLR7 protein (p.Asp811Gly). This variant is not present in population databases (gnomAD no frequency). This variant has not been reported in the literature in individuals affected with TLR7-related conditions. An algorithm developed to predict the effect of missense changes on protein structure and function (PolyPhen-2) suggests that this variant is likely to be tolerated. In summary, the available evidence is currently insufficient to determine the role of this variant in disease. Therefore, it has been classified as a Variant of Uncertain Significance.

NM_016562.4(TLR7):c.2432A>G (p.Asp811Gly)

Gene: TLR7 (toll like receptor 7; plus strand). Cytogenetic location: Xp22.2.
Variant type: single nucleotide variant.
Coding change: c.2432A>G on transcript NM_016562.4 (MANE Select); coding-DNA position 2432, A replaced by G.
Protein change: p.Asp811Gly; replaces aspartic acid 811 with glycine.
Molecular consequence: missense variant.
Genome position (GRCh38, 1-based): chrX:12,887,940, A>G. VCF-style: chrX-12887940-A-G. GRCh37 (hg19) VCF-style: chrX-12906059-A-G.
Other names: short protein forms D811G.
Identifiers: ClinVar variation 3652267 (VCV003652267.2).